The following is an entry in ClinVar:

NM_001199397.3(NEK1):c.2400G>C (p.Glu800Asp)

Gene: NEK1 (NIMA related kinase 1; minus strand). Cytogenetic location: 4q33.
Variant type: single nucleotide variant.
Coding change: c.2400G>C on transcript NM_001199397.3 (MANE Select); coding-DNA position 2400, G replaced by C.
Protein change: p.Glu800Asp; replaces glutamic acid 800 with aspartic acid.
Molecular consequence: missense variant. On other transcripts: non-coding transcript variant (1).
Genome position (GRCh38, 1-based): chr4:169,477,158, C>G on the plus strand (G>C on the coding strand, the complement: NEK1 is on the minus strand). VCF-style: chr4-169477158-C-G. GRCh37 (hg19) VCF-style: chr4-170398309-C-G.
Other names: c.2268G>C, p.Glu756Asp (NM_001199398.3); c.2109G>C, p.Glu703Asp (NM_001199399.3); c.2184G>C, p.Glu728Asp (NM_001199400.3); c.2400G>C, p.Glu800Asp (NM_001374418.1); c.2316G>C, p.Glu772Asp (NM_001374419.1, NM_012224.4); c.2265G>C, p.Glu755Asp (NM_001374420.1); c.2094G>C, p.Glu698Asp (NM_001374421.1); short protein forms E698D, E703D, E728D, E755D, E756D, E772D, E800D.
Identifiers: ClinVar variation 811174 (VCV000811174.9), dbSNP rs753381599, ClinGen allele CA3137426.

ClinVar aggregate classification (germline): Uncertain significance. Review status: criteria provided, multiple submitters, no conflicts (2 of 4 stars). 2 submissions from 2 submitters: Uncertain significance (2). Last evaluated 2025-04-01.

Conditions:
Amyotrophic lateral sclerosis, susceptibility to, 24. Identifiers: MedGen C4693523, MONDO:0054750, OMIM 617892.
Short-rib thoracic dysplasia 6 with or without polydactyly (SRTD6). Also called: Majewski Syndrome; SHORT RIB-POLYDACTYLY SYNDROME, TYPE IIA; SHORT-RIB THORACIC DYSPLASIA 6 WITH POLYDACTYLY; SHORT-RIB THORACIC DYSPLASIA 6 WITHOUT POLYDACTYLY; POLYDACTYLY WITH NEONATAL CHONDRODYSTROPHY, TYPE II. Identifiers: MedGen C0024507, MONDO:0009894, OMIM 263520.

Allele frequency attached by ClinVar (database versions not stated): ExAC 0.00001; gnomAD 0.00001; gnomAD exomes 0.00001.
gnomAD v4.1: 12 of 1,606,376 alleles (0.00075%); highest among the groups gnomAD compares: Middle Eastern, 0.016%; no homozygotes.

Submissions (2):

Labcorp Genetics (formerly Invitae), Labcorp
Classification: Uncertain significance for Short-rib thoracic dysplasia 6 with or without polydactyly. Last evaluated: 2025-04-01. Review status: criteria provided, single submitter. Criteria: Invitae Variant Classification Sherloc (09022015). Collection method: clinical testing. Allele origin: germline.
Comment: This sequence change replaces glutamic acid, which is acidic and polar, with aspartic acid, which is acidic and polar, at codon 772 of the NEK1 protein (p.Glu772Asp). This variant is not present in population databases (gnomAD no frequency). This variant has not been reported in the literature in individuals affected with NEK1-related conditions. ClinVar contains an entry for this variant (Variation ID: 811174). Invitae Evidence Modeling of protein sequence and biophysical properties (such as structural, functional, and spatial information, amino acid conservation, physicochemical variation, residue mobility, and thermodynamic stability) indicates that this missense variant is not expected to disrupt NEK1 protein function with a negative predictive value of 80%. In summary, the available evidence is currently insufficient to determine the role of this variant in disease. Therefore, it has been classified as a Variant of Uncertain Significance.

ARUP Laboratories, Molecular Genetics and Genomics, ARUP Laboratories
Classification: Uncertain significance for Amyotrophic lateral sclerosis, susceptibility to, 24. Last evaluated: 2018-11-09. Review status: criteria provided, single submitter. Criteria: ARUP Molecular Germline Variant Investigation Process. Collection method: clinical testing. Allele origin: germline.
Comment: The NEK1 c.2316G>C; p.Glu772Asp variant (rs753381599), to our knowledge, is not described in the medical literature or in gene-specific databases. It is also absent from general population databases (1000 Genomes Project, Exome Variant Server, and Genome Aggregation Database), indicating it is not a common polymorphism. The glutamic acid at codon 772 is moderately conserved, but computational algorithms (PolyPhen-2: benign, SIFT: damaging) predict conflicting effects on protein structure and/or function. Due to the lack of clinical and functional data regarding this variant, its clinical significance cannot be determined with certainty.